The following is an entry in ClinVar:

NM_000051.4(ATM):c.7789-2A>G

Genes: ATM (ATM serine/threonine kinase; plus strand), C11orf65 (chromosome 11 open reading frame 65; minus strand). Cytogenetic location: 11q22.3.
Variant type: single nucleotide variant.
Coding change: c.7789-2A>G on transcript NM_000051.4 (MANE Select); the canonical splice acceptor site of the intron before coding-DNA position 7789, A replaced by G.
Molecular consequence: splice acceptor variant. On other transcripts: intron variant (2).
Genome position (GRCh38, 1-based): chr11:108,332,760, A>G. VCF-style: chr11-108332760-A-G. GRCh37 (hg19) VCF-style: chr11-108203487-A-G.
Other names: c.7789-2A>G (NM_001351834.2); c.641-23689T>C (NM_001330368.2); c.*38+2460T>C (NM_001351110.2).
Identifiers: ClinVar variation 4617889 (VCV004617889.1).

ClinVar aggregate classification (germline): Likely pathogenic (1 of 4 stars; one submission).

Conditions:
Hereditary cancer-predisposing syndrome. Also called: Hereditary Cancer Syndrome; Neoplastic Syndromes, Hereditary; Tumor predisposition; Hereditary neoplastic syndrome. Identifiers: Orphanet 140162, MedGen C0027672, MeSH D009386, MONDO:0015356.

Submission:

Ambry Genetics
Classification: Likely pathogenic for Hereditary cancer-predisposing syndrome. Last evaluated: 2025-10-23. Review status: criteria provided, single submitter. Criteria: Ambry Variant Classification Scheme 2023. Collection method: clinical testing. Allele origin: germline.
Comment: The c.7789-2A>G intronic variant results from an A to G substitution two nucleotides upstream from coding exon 52 in the ATM gene. This nucleotide position is highly conserved in available vertebrate species. In silico splice site analysis predicts that this alteration will weaken the native splice acceptor site. RNA studies have demonstrated that this alteration results in abnormal splicing in the set of samples tested (Ambry internal data). This variant is considered to be rare based on population cohorts in the Genome Aggregation Database (gnomAD). Based on the majority of available evidence to date, this variant is likely to be pathogenic.